The following is an entry in ClinVar:

NM_007294.4(BRCA1):c.825_828delinsAAT (p.Thr276fs)

Gene: BRCA1 (BRCA1 DNA repair associated; minus strand). Cytogenetic location: 17q21.31.
Variant type: Indel.
Coding change: c.825_828delinsAAT on transcript NM_007294.4 (MANE Select); coding-DNA positions 825 to 828, CACA replaced by AAT.
Protein change: p.Thr276fs; shifts the reading frame from threonine 276.
Molecular consequence: frameshift variant. On other transcripts: 5 prime UTR variant (2), intron variant (137).
Genome position (GRCh38, 1-based): chr17:43,094,703-43,094,706, TGTG replaced by ATT on the plus strand (CACA replaced by AAT on the coding strand, the reverse complement: BRCA1 is on the minus strand). VCF-style: chr17-43094703-TGTG-ATT. GRCh37 (hg19) VCF-style: chr17-41246720-TGTG-ATT.
Other names: c.615_618delinsAAT, p.Thr206fs (NM_001407908.1, NM_001407909.1, NM_001407910.1 and 13 more transcripts); c.612_615delinsAAT, p.Thr205fs (NM_001407915.1, NM_001407916.1, NM_001407917.1 and 9 more transcripts); c.702_705delinsAAT, p.Thr235fs (NM_001407919.1, NM_001407937.1, NM_001407938.1 and 19 more transcripts); c.561_564delinsAAT, p.Thr188fs (NM_001407920.1, NM_001407921.1, NM_001407922.1 and 9 more transcripts); c.558_561delinsAAT, p.Thr187fs (NM_001407930.1, NM_001407931.1, NM_001407932.1 and 2 more transcripts); c.699_702delinsAAT, p.Thr234fs (NM_001407940.1, NM_001407941.1, NM_001407649.1 and 11 more transcripts); c.684_687delinsAAT, p.Thr229fs (NM_001407942.1, NM_001407944.1, NM_001407945.1 and 29 more transcripts); c.681_684delinsAAT, p.Thr228fs (NM_001407943.1, NM_001407964.1, NM_001407740.1 and 20 more transcripts); and 40 more; short protein forms T276fs, T229fs, T149fs, T165fs, T187fs, T188fs, T206fs, T209fs.
Identifiers: ClinVar variation 441387 (VCV000441387.7), dbSNP rs1555593020, ClinGen allele CA658653685.

ClinVar aggregate classification (germline): Pathogenic. Review status: reviewed by expert panel (3 of 4 stars). 2 submissions from 2 submitters: Pathogenic (1). 1 of the submissions does not count toward it. Last evaluated 2017-12-15.

Conditions:
Hereditary cancer-predisposing syndrome. Also called: Neoplastic Syndromes, Hereditary; Hereditary neoplastic syndrome; Tumor predisposition; Hereditary Cancer Syndrome. Identifiers: Orphanet 140162, MedGen C0027672, MeSH D009386, MONDO:0015356.
Breast-ovarian cancer, familial, susceptibility to, 1 (BROVCA1). Also called: BRCA1 Hereditary Breast and Ovarian Cancer; OVARIAN CANCER, SUSCEPTIBILITY TO. Identifiers: Orphanet 145, MedGen C2676676, MONDO:0011450, OMIM 604370. Disease mechanism: loss of function.

Submissions (2):

Evidence-based Network for the Interpretation of Germline Mutant Alleles (ENIGMA)
Classification: Pathogenic for Breast-ovarian cancer, familial, susceptibility to, 1. Last evaluated: 2017-12-15. Review status: reviewed by expert panel. Criteria: ENIGMA BRCA1/2 Classification Criteria (2017-06-29). Collection method: curation. Allele origin: germline. Study: ENIGMA.
Comment: Variant allele predicted to encode a truncated non-functional protein.

Ambry Genetics
Classification: Pathogenic for Hereditary cancer-predisposing syndrome. Last evaluated: 2026-01-15. Review status: criteria provided, single submitter. Criteria: Ambry Variant Classification Scheme 2023. Collection method: clinical testing. Allele origin: germline. Not counted in ClinVar's aggregate classification.
Comment: The c.825_828delCACAinsAAT pathogenic mutation, located in coding exon 9 of the BRCA1 gene, results from the deletion of 4 nucleotides and insertion of 3 nucleotides causing a translational frameshift with a predicted alternate stop codon (p.T276Ifs*22). This variant is considered to be rare based on population cohorts in the Genome Aggregation Database (gnomAD). This alteration is expected to result in loss of function by premature protein truncation or nonsense-mediated mRNA decay. As such, this alteration is interpreted as a disease-causing mutation.